The following is an entry in ClinVar:

ClinVar aggregate classification (germline): Pathogenic. Review status: criteria provided, multiple submitters, no conflicts (2 of 4 stars). 5 submissions from 4 submitters: Pathogenic (4). 1 of the submissions does not count toward it. Last evaluated 2024-04-08.

Conditions:
Tuberous sclerosis 2 (TSC2). Identifiers: Orphanet 805, MedGen C1860707, MONDO:0013199, OMIM 613254.
Lymphangiomyomatosis (LAM). Also called: Lymphangioleiomyomatosis; Lymphangioleiomyomatosis, somatic. Identifiers: Orphanet 538, MedGen C0751674, MONDO:0011705, OMIM 606690.
Severe intellectual disability. Identifiers: MedGen C0036857, HP:0010864.
Infantile spasms. Also called: Infantile spasm. Identifiers: MedGen C3887898, HP:0012469.
Tuberous sclerosis syndrome (TSC). Also called: Tuberous Sclerosis Complex; Tuberous sclerosis. Identifiers: Orphanet 805, MedGen C0041341, MONDO:0001734.

Submissions (5):

Institute of Human Genetics, University of Leipzig Medical Center
Classification: Pathogenic for Tuberous sclerosis 2. Last evaluated: 2024-04-08. Review status: criteria provided, single submitter. Criteria: ACMG Guidelines, 2015. Collection method: clinical testing. Allele origin: unknown. Inheritance: Autosomal dominant inheritance. Affected: yes.
Comment: Criteria applied: PVS1,PS4_MOD,PM2_SUP

Labcorp Genetics (formerly Invitae), Labcorp
Classification: Pathogenic for Tuberous sclerosis 2. Last evaluated: 2024-04-05. Review status: criteria provided, single submitter. Criteria: Invitae Variant Classification Sherloc (09022015). Collection method: clinical testing. Allele origin: germline.
Comment: This sequence change affects a donor splice site in intron 36 of the TSC2 gene. It is expected to disrupt RNA splicing. Variants that disrupt the donor or acceptor splice site typically lead to a loss of protein function (PMID: 16199547), and loss-of-function variants in TSC2 are known to be pathogenic (PMID: 10205261, 17304050). This variant is not present in population databases (gnomAD no frequency). Disruption of this splice site has been observed in individual(s) with tuberous sclerosis complex (PMID: 27859028). In at least one individual the variant was observed to be de novo. ClinVar contains an entry for this variant (Variation ID: 50031). Algorithms developed to predict the effect of sequence changes on RNA splicing suggest that this variant may disrupt the consensus splice site. For these reasons, this variant has been classified as Pathogenic.

Centre for Mendelian Genomics, University Medical Centre Ljubljana
Classification: Pathogenic for Lymphangiomyomatosis. Last evaluated: 2016-01-01. Review status: criteria provided, single submitter. Criteria: ACMG Guidelines, 2015. Collection method: clinical testing. Allele origin: unknown. Affected: yes.
Comment: This variant was classified as: Pathogenic.

Centre for Mendelian Genomics, University Medical Centre Ljubljana
Classification: Pathogenic for Infantile spasms; Severe intellectual disability. Last evaluated: 2015-10-20. Review status: criteria provided, single submitter. Criteria: ACMG Guidelines, 2015. Collection method: clinical testing. Allele origin: unknown. Affected: yes.

Tuberous sclerosis database (TSC2)
No classification provided. Condition: TSC. Review status: no classification provided. Criteria: Tuberous Sclerosis Database Assertion Criteria 2015. Collection method: curation. Allele origin: germline. Affected: yes. Not counted in ClinVar's aggregate classification.

Literature cited by the submitters: PubMed 16199547 (cited by Labcorp Genetics (formerly Invitae), Labcorp); PubMed 10205261 (cited by Labcorp Genetics (formerly Invitae), Labcorp); PubMed 17304050 (cited by Labcorp Genetics (formerly Invitae), Labcorp); PubMed 27859028 (cited by Labcorp Genetics (formerly Invitae), Labcorp).

NM_000548.5(TSC2):c.4662+1G>A

Gene: TSC2 (TSC complex subunit 2; plus strand). Cytogenetic location: 16p13.3.
Variant type: single nucleotide variant.
Coding change: c.4662+1G>A on transcript NM_000548.5 (MANE Select); the canonical splice donor site of the intron after coding-DNA position 4662, G replaced by A.
Molecular consequence: splice donor variant.
Genome position (GRCh38, 1-based): chr16:2,085,323, G>A. VCF-style: chr16-2085323-G-A. GRCh37 (hg19) VCF-style: chr16-2135324-G-A.
Other names: c.3120+1G>A (NM_001406693.1, NM_001406692.1, NM_001406694.1); c.4554+1G>A (NM_001406667.1); c.4551+1G>A (NM_001406668.1); c.4062+1G>A (NM_001406680.1); c.3993+1G>A (NM_001406683.1, NM_001406682.1); c.3861+1G>A (NM_001406687.1, NM_001406688.1); c.3249+1G>A (NM_001406689.1); c.3189+1G>A (NM_001406690.1); and 26 more.
Identifiers: ClinVar variation 50031 (VCV000050031.10), dbSNP rs45514095, ClinGen allele CA020846.